The following is an entry in ClinVar:

NM_022132.5(MCCC2):c.506A>T (p.Tyr169Phe)

Gene: MCCC2 (methylcrotonyl-CoA carboxylase subunit 2; plus strand). Cytogenetic location: 5q13.2.
Variant type: single nucleotide variant.
Coding change: c.506A>T on transcript NM_022132.5 (MANE Select); coding-DNA position 506, A replaced by T.
Protein change: p.Tyr169Phe; replaces tyrosine 169 with phenylalanine.
Molecular consequence: missense variant.
Genome position (GRCh38, 1-based): chr5:71,602,628, A>T. VCF-style: chr5-71602628-A-T. GRCh37 (hg19) VCF-style: chr5-70898455-A-T.
Other names: c.506A>T, p.Tyr169Phe (NM_001363147.1); short protein forms Y169F.
Identifiers: ClinVar variation 1050455 (VCV001050455.1), dbSNP rs1580281124, ClinGen allele CA360011090.

ClinVar aggregate classification (germline): Uncertain significance (0 of 4 stars; one submission).

Allele frequency attached by ClinVar (database versions not stated): gnomAD exomes 0.00001.

Submission:

Department of Pathology and Laboratory Medicine, Sinai Health System
Classification: Uncertain significance. Review status: no assertion criteria provided. Collection method: clinical testing. Allele origin: unknown. Affected: yes. Study: The Canadian Open Genetics Repository (COGR).
Comment: The MCCC2 p.Tyr169Phe variant was not identified in the literature nor was it identified in dbSNP, ClinVar, LOVD 3.0 or in the following control databases: the 1000 Genomes Project, the NHLBI GO Exome Sequencing Project, the Exome Aggregation Consortium (August 8th 2016), or the Genome Aggregation Database (Feb 27, 2017).The p.Tyr169 residue is conserved in mammals and computational analyses (PolyPhen-2, SIFT, AlignGVGD, BLOSUM, MutationTaster) provide inconsistent predictions regarding the impact to the protein; this information is not very predictive of pathogenicity. The variant occurs outside of the splicing consensus sequence and three of four in silico or computational prediction software programs (SpliceSiteFinder, MaxEntScan, NNSPLICE, GeneSplicer) do not predict a difference in splicing. In summary, based on the above information the clinical significance of this variant cannot be determined with certainty at this time. This variant is classified as a variant of uncertain significance.